The following is an entry in ClinVar:

NM_000152.5(GAA):c.1754+144C>T

Gene: GAA (alpha glucosidase; plus strand). Cytogenetic location: 17q25.3.
Variant type: single nucleotide variant.
Coding change: c.1754+144C>T on transcript NM_000152.5 (MANE Select); 144 bases into the intron after coding-DNA position 1754, C replaced by T.
Molecular consequence: intron variant.
Genome position (GRCh38, 1-based): chr17:80,112,244, C>T. VCF-style: chr17-80112244-C-T. GRCh37 (hg19) VCF-style: chr17-78086043-C-T.
Other names: c.1754+144C>T (NM_001079803.3, NM_001079804.3).
Identifiers: ClinVar variation 1172942 (VCV001172942.7), dbSNP rs2304838, ClinGen allele CA14485091.
Genomic context (GRCh38, chr17:80,112,244, plus strand): 5'-AGGAAAAGCGGAGGCCCAGACCACCCGGGGCCCGCTGGCGGCCCGAGTGCTCTCCCCACC[C>T]GCTGCCTGCACCCCAGCCTGAAGCTGGAGCGCTCCTTCCCACTTCATGCCTGGGGCTTGG-3'

ClinVar aggregate classification (germline): Benign. Review status: criteria provided, multiple submitters, no conflicts (2 of 4 stars). 4 submissions from 4 submitters: Benign (4). Last evaluated 2026-07-01.

Conditions:
Glycogen storage disease, type II (IOPD). Also called: CARDIOMEGALIA GLYCOGENICA DIFFUSA; GLYCOGENOSIS, GENERALIZED, CARDIAC FORM; GSD II; Glycogen storage disease type 2; Acid maltase deficiency disease; Aglucosidase alfa. Identifiers: Orphanet 365, MedGen C0017921, MONDO:0009290, OMIM 232300.

Allele frequency attached by ClinVar (database versions not stated): 1000 Genomes Project 0.52017; 1000 Genomes Project 30x 0.52217; TOPMed 0.58902; gnomAD 0.60505 and 0.60815.

Submissions (4):

Genomenon, Inc
Classification: Benign for Glycogen storage disease, type II. Last evaluated: 2026-07-01. Review status: criteria provided, single submitter. Criteria: Genomenon Sequence Variant Interpretation Standards - Updated. Collection method: curation. Allele origin: germline. Affected: no.
Comment: GAA c.1754+144C>T is an intronic variant located in intron 12. This variant is present at high allele frequency in population databases. We classify GAA c.1754+144C>T as a benign variant.

Genome-Nilou Lab
Classification: Benign for Glycogen storage disease, type II. Last evaluated: 2021-06-10. Review status: criteria provided, single submitter. Criteria: ACMG Guidelines, 2015. Collection method: clinical testing. Allele origin: germline. Affected: no.

GeneDx
Classification: Benign. Last evaluated: 2020-04-28. Review status: criteria provided, single submitter. Criteria: GeneDx Variant Classification Process June 2021. Collection method: clinical testing. Allele origin: germline. Affected: yes.
Comment: Has not been previously published as pathogenic or benign to our knowledge; Nucleotide substitution has no predicted effect on splicing and is not conserved across species

Breakthrough Genomics
Classification: Benign. Review status: criteria provided, single submitter. Criteria: ACMG Guidelines, 2015. Collection method: not provided. Allele origin: germline. Inheritance: Autosomal recessive inheritance. Affected: yes.